The following is an entry in ClinVar:

ClinVar aggregate classification (germline): Uncertain significance (1 of 4 stars; one submission).

Submission:

GeneDx
Classification: Uncertain significance. Last evaluated: 2025-06-12. Review status: criteria provided, single submitter. Criteria: GeneDx Variant Classification Process June 2021. Collection method: clinical testing. Allele origin: germline. Affected: yes.
Comment: Not observed at significant frequency in large population cohorts (gnomAD); In silico analysis supports that this missense variant has a deleterious effect on protein structure/function; Has not been previously published as pathogenic or benign to our knowledge

NM_001039591.3(USP9X):c.2959C>A (p.Pro987Thr)

Gene: USP9X (ubiquitin specific peptidase 9 X-linked; plus strand). Cytogenetic location: Xp11.4.
Variant type: single nucleotide variant.
Coding change: c.2959C>A on transcript NM_001039591.3 (MANE Select); coding-DNA position 2959, C replaced by A.
Protein change: p.Pro987Thr; replaces proline 987 with threonine.
Molecular consequence: missense variant.
Genome position (GRCh38, 1-based): chrX:41,170,551, C>A. VCF-style: chrX-41170551-C-A. GRCh37 (hg19) VCF-style: chrX-41029804-C-A.
Other names: c.2959C>A, p.Pro987Thr (NM_001039590.3); c.2974C>A, p.Pro992Thr (NM_001410748.1, NM_001410749.1, NM_001437534.1); short protein forms P987T, P992T.
Identifiers: ClinVar variation 4537874 (VCV004537874.1).